The following is an entry in ClinVar:

ClinVar aggregate classification (germline): Uncertain significance (1 of 4 stars; one submission).

Conditions:
Primary ciliary dyskinesia. Also called: Ciliary dyskinesia. Identifiers: Orphanet 244, MedGen C0008780, MONDO:0016575, HP:0012265.

Allele frequency attached by ClinVar (database versions not stated): gnomAD 0.00001.
gnomAD v4.1: 2 of 1,613,862 alleles (0.00012%); highest among the groups gnomAD compares: Non-Finnish European, 0.000085%; no homozygotes.

Submission:

Labcorp Genetics (formerly Invitae), Labcorp
Classification: Uncertain significance for Primary ciliary dyskinesia. Last evaluated: 2018-12-15. Review status: criteria provided, single submitter. Criteria: Invitae Variant Classification Sherloc (09022015). Collection method: clinical testing. Allele origin: germline.
Comment: In summary, the available evidence is currently insufficient to determine the role of this variant in disease. Therefore, it has been classified as a Variant of Uncertain Significance. Algorithms developed to predict the effect of missense changes on protein structure and function are either unavailable or do not agree on the potential impact of this missense change (SIFT: "Deleterious"; PolyPhen-2: "Not available"; Align-GVGD: "Class C0"). This variant has not been reported in the literature in individuals with DNAH8-related conditions. This variant is not present in population databases (ExAC no frequency). This sequence change replaces isoleucine with methionine at codon 2288 of the DNAH8 protein (p.Ile2288Met). The isoleucine residue is highly conserved and there is a small physicochemical difference between isoleucine and methionine.

NM_001206927.2(DNAH8):c.6864C>G (p.Ile2288Met)

Gene: DNAH8 (dynein axonemal heavy chain 8; plus strand). Cytogenetic location: 6p21.2.
Variant type: single nucleotide variant.
Coding change: c.6864C>G on transcript NM_001206927.2 (MANE Select); coding-DNA position 6864, C replaced by G.
Protein change: p.Ile2288Met; replaces isoleucine 2288 with methionine.
Molecular consequence: missense variant.
Genome position (GRCh38, 1-based): chr6:38,870,436, C>G. VCF-style: chr6-38870436-C-G. GRCh37 (hg19) VCF-style: chr6-38838212-C-G.
Other names: c.6213C>G, p.Ile2071Met (NM_001371.4); short protein forms I2071M, I2288M.
Identifiers: ClinVar variation 655583 (VCV000655583.16), dbSNP rs1412777895, ClinGen allele CA364026125.